The following is an entry in ClinVar:

ClinVar aggregate classification (germline): Uncertain significance (1 of 4 stars; one submission).

Conditions:
Dilated cardiomyopathy 1JJ (CMD1JJ). Identifiers: Orphanet 154, MedGen C3808935, MONDO:0014095, OMIM 615235.

Submission:

Labcorp Genetics (formerly Invitae), Labcorp
Classification: Uncertain significance for Dilated cardiomyopathy 1JJ. Last evaluated: 2021-10-21. Review status: criteria provided, single submitter. Criteria: Invitae Variant Classification Sherloc (09022015). Collection method: clinical testing. Allele origin: germline.
Comment: In summary, the available evidence is currently insufficient to determine the role of this variant in disease. Therefore, it has been classified as a Variant of Uncertain Significance. Algorithms developed to predict the effect of missense changes on protein structure and function are either unavailable or do not agree on the potential impact of this missense change (SIFT: "Deleterious"; PolyPhen-2: "Benign"; Align-GVGD: "Class C0"). This variant has not been reported in the literature in individuals affected with LAMA4-related conditions. This variant is not present in population databases (ExAC no frequency). This sequence change replaces lysine with asparagine at codon 317 of the LAMA4 protein (p.Lys317Asn). The lysine residue is moderately conserved and there is a moderate physicochemical difference between lysine and asparagine.

NM_001105206.3(LAMA4):c.972A>C (p.Lys324Asn)

Gene: LAMA4 (laminin subunit alpha 4; minus strand). Cytogenetic location: 6q21.
Variant type: single nucleotide variant.
Coding change: c.972A>C on transcript NM_001105206.3 (MANE Select); coding-DNA position 972, A replaced by C.
Protein change: p.Lys324Asn; replaces lysine 324 with asparagine.
Molecular consequence: missense variant.
Genome position (GRCh38, 1-based): chr6:112,185,342, T>G on the plus strand (A>C on the coding strand, the complement: LAMA4 is on the minus strand). VCF-style: chr6-112185342-T-G. GRCh37 (hg19) VCF-style: chr6-112506544-T-G.
Other names: c.951A>C, p.Lys317Asn (NM_001105207.3, NM_002290.5); short protein forms K317N, K324N.
Identifiers: ClinVar variation 1525427 (VCV001525427.6), dbSNP rs70940813, ClinGen allele CA144883201.
Genomic context (GRCh38, chr6:112,185,342, plus strand): 5'-GTTCTCAGCATTGTTGATTTGTATCTTTCTTAGGGCGTATTGGTTTTCTCTTTCTGACAA[T>G]TTTGTCTGCAGAAGAATGTGTTTTGAGAATAGTCAATGGGCACACCAGGTTTTAAAAAAT-3'
Protein context (NP_001098676.2, residues 314-334): INATIYLLKT[Lys324Asn]LSERENQYAL